The following is an entry in ClinVar:

NM_006904.7(PRKDC):c.4117G>T (p.Val1373Leu)

Gene: PRKDC (protein kinase, DNA-activated, catalytic subunit; minus strand). Cytogenetic location: 8q11.21.
Variant type: single nucleotide variant.
Coding change: c.4117G>T on transcript NM_006904.7 (MANE Select); coding-DNA position 4117, G replaced by T.
Protein change: p.Val1373Leu; replaces valine 1373 with leucine.
Molecular consequence: missense variant.
Genome position (GRCh38, 1-based): chr8:47,889,177, C>A on the plus strand (G>T on the coding strand, the complement: PRKDC is on the minus strand). VCF-style: chr8-47889177-C-A. GRCh37 (hg19) VCF-style: chr8-48801738-C-A.
Other names: c.4117G>T, p.Val1373Leu (NM_001081640.2); short protein forms V1373L.
Identifiers: ClinVar variation 856942 (VCV000856942.8), dbSNP rs759118099, ClinGen allele CA371147027.

ClinVar aggregate classification (germline): Uncertain significance (1 of 4 stars; one submission).

Conditions:
Severe combined immunodeficiency due to DNA-PKcs deficiency. Also called: Immunodeficiency 26 with or without neurologic abnormalities; IMMUNODEFICIENCY 26 WITH NEUROLOGIC ABNORMALITIES. Identifiers: Orphanet 317425, MedGen C4014833, MONDO:0014423, OMIM 615966.

Allele frequency attached by ClinVar (database versions not stated): gnomAD 0.00001; TOPMed 0.00001.
gnomAD v4.1: 17 of 1,613,710 alleles (0.0011%); highest among the groups gnomAD compares: Non-Finnish European, 0.0014%; no homozygotes.

Submission:

Labcorp Genetics (formerly Invitae), Labcorp
Classification: Uncertain significance for Severe combined immunodeficiency due to DNA-PKcs deficiency. Last evaluated: 2019-03-13. Review status: criteria provided, single submitter. Criteria: Invitae Variant Classification Sherloc (09022015). Collection method: clinical testing. Allele origin: germline.
Comment: In summary, the available evidence is currently insufficient to determine the role of this variant in disease. Therefore, it has been classified as a Variant of Uncertain Significance. Algorithms developed to predict the effect of missense changes on protein structure and function (SIFT, PolyPhen-2, Align-GVGD) all suggest that this variant is likely to be tolerated, but these predictions have not been confirmed by published functional studies and their clinical significance is uncertain. This variant has not been reported in the literature in individuals with PRKDC-related conditions. This variant is not present in population databases (ExAC no frequency). This sequence change replaces valine with leucine at codon 1373 of the PRKDC protein (p.Val1373Leu). The valine residue is moderately conserved and there is a small physicochemical difference between valine and leucine.